The following is an entry in ClinVar:

NM_144672.4(OTOA):c.889G>T (p.Val297Phe)

Gene: OTOA (otoancorin). Cytogenetic location: 16p12.2.
Variant type: single nucleotide variant.
Coding change: c.889G>T on transcript NM_144672.4 (MANE Select); coding-DNA position 889, G replaced by T.
Protein change: p.Val297Phe; replaces valine 297 with phenylalanine.
Molecular consequence: missense variant.
Genome position (GRCh38, 1-based): chr16:21,700,936, G>T. VCF-style: chr16-21700936-G-T. GRCh37 (hg19) VCF-style: chr16-21712257-G-T.
Other names: c.652G>T, p.Val218Phe (NM_001161683.2); short protein forms V297F, V218F.
Identifiers: ClinVar variation 2589100 (VCV002589100.3), dbSNP rs754571974, ClinGen allele CA7952458.

ClinVar aggregate classification (germline): Uncertain significance. Review status: criteria provided, multiple submitters, no conflicts (2 of 4 stars). 2 submissions from 2 submitters: Uncertain significance (2). Last evaluated 2024-01-11.

Conditions:
Inborn genetic diseases. Identifiers: MedGen C0950123, MeSH D030342.

Allele frequency attached by ClinVar (database versions not stated): gnomAD 0.00001; TOPMed 0.00002; gnomAD exomes 0.00004.
gnomAD v4.1: 67 of 1,613,916 alleles (0.0042%); highest among the groups gnomAD compares: Non-Finnish European, 0.0053%; no homozygotes.

Submissions (2):

GeneDx
Classification: Uncertain significance. Last evaluated: 2024-01-11. Review status: criteria provided, single submitter. Criteria: GeneDx Variant Classification Process June 2021. Collection method: clinical testing. Allele origin: germline. Affected: yes.
Comment: Not observed at significant frequency in large population cohorts (gnomAD); In silico analysis supports that this missense variant does not alter protein structure/function; Has not been previously published as pathogenic or benign to our knowledge

Ambry Genetics
Classification: Uncertain significance for Inborn genetic diseases. Last evaluated: 2023-07-05. Review status: criteria provided, single submitter. Criteria: Ambry Variant Classification Scheme 2023. Collection method: clinical testing. Allele origin: germline.